The following is an entry in ClinVar:

ClinVar aggregate classification (germline): Uncertain significance. Review status: criteria provided, multiple submitters, no conflicts (2 of 4 stars). 2 submissions from 2 submitters: Uncertain significance (2). Last evaluated 2024-03-25.

Conditions:
Fanconi anemia complementation group A (FANCA). Also called: FANCA-Related Fanconi Anemia; Fanconi anemia, group A. Identifiers: Orphanet 84, MedGen C3469521, MONDO:0009215, OMIM 227650.
Fanconi anemia (FA). Also called: Fanconi's anemia. Identifiers: Orphanet 84, MedGen C0015625, MeSH D005199, MONDO:0019391.

Allele frequency attached by ClinVar (database versions not stated): gnomAD exomes 0.00001; TOPMed 0.00001; gnomAD 0.00002.
gnomAD v4.1: 11 of 1,613,960 alleles (0.00068%); highest among the groups gnomAD compares: East Asian, 0.0022%; no homozygotes.

Submissions (2):

Fulgent Genetics
Classification: Uncertain significance for Fanconi anemia complementation group A. Last evaluated: 2024-03-25. Review status: criteria provided, single submitter. Criteria: ACMG Guidelines, 2015. Collection method: clinical testing. Allele origin: germline.

Labcorp Genetics (formerly Invitae), Labcorp
Classification: Uncertain significance for Fanconi anemia. Last evaluated: 2021-08-26. Review status: criteria provided, single submitter. Criteria: Invitae Variant Classification Sherloc (09022015). Collection method: clinical testing. Allele origin: germline.
Comment: This sequence change replaces methionine with valine at codon 415 of the FANCA protein (p.Met415Val). The methionine residue is weakly conserved and there is a small physicochemical difference between methionine and valine. This variant is not present in population databases (ExAC no frequency). This variant has not been reported in the literature in individuals affected with FANCA-related conditions. Advanced modeling of protein sequence and biophysical properties (such as structural, functional, and spatial information, amino acid conservation, physicochemical variation, residue mobility, and thermodynamic stability) performed at Invitae indicates that this missense variant is not expected to disrupt FANCA protein function. In summary, the available evidence is currently insufficient to determine the role of this variant in disease. Therefore, it has been classified as a Variant of Uncertain Significance.

NM_000135.4(FANCA):c.1243A>G (p.Met415Val)

Gene: FANCA (FA complementation group A; minus strand). Cytogenetic location: 16q24.3.
Variant type: single nucleotide variant.
Coding change: c.1243A>G on transcript NM_000135.4 (MANE Select); coding-DNA position 1243, A replaced by G.
Protein change: p.Met415Val; replaces methionine 415 with valine.
Molecular consequence: missense variant.
Genome position (GRCh38, 1-based): chr16:89,791,519, T>C on the plus strand (A>G on the coding strand, the complement: FANCA is on the minus strand). VCF-style: chr16-89791519-T-C. GRCh37 (hg19) VCF-style: chr16-89857927-T-C.
Other names: c.1243A>G, p.Met415Val (NM_001286167.3); short protein forms M415V.
Identifiers: ClinVar variation 1405180 (VCV001405180.6), dbSNP rs1438001164, ClinGen allele CA397464500.